The following is an entry in ClinVar:

ClinVar aggregate classification (germline): Uncertain significance (1 of 4 stars; one submission).

Conditions:
Diffuse cerebral and cerebellar atrophy - intractable seizures - progressive microcephaly syndrome. Also called: Microcephaly, progressive, with seizures and cerebral and cerebellar atrophy. Identifiers: Orphanet 404437, MedGen C4014239, MONDO:0014335, OMIM 615760.

Allele frequency attached by ClinVar (database versions not stated): gnomAD exomes below 0.00001; gnomAD 0.00001; TOPMed 0.00001.
gnomAD v4.1: 3 of 1,607,304 alleles (0.00019%); highest among the groups gnomAD compares: Admixed American, 0.0017%; no homozygotes.

Submission:

Labcorp Genetics (formerly Invitae), Labcorp
Classification: Uncertain significance for Diffuse cerebral and cerebellar atrophy - intractable seizures - progressive microcephaly syndrome. Last evaluated: 2022-01-21. Review status: criteria provided, single submitter. Criteria: Invitae Variant Classification Sherloc (09022015). Collection method: clinical testing. Allele origin: germline.
Comment: In summary, the available evidence is currently insufficient to determine the role of this variant in disease. Therefore, it has been classified as a Variant of Uncertain Significance. This sequence change replaces arginine, which is basic and polar, with histidine, which is basic and polar, at codon 301 of the QARS protein (p.Arg301His). This variant is not present in population databases (gnomAD no frequency). This variant has not been reported in the literature in individuals affected with QARS-related conditions. ClinVar contains an entry for this variant (Variation ID: 477847). Algorithms developed to predict the effect of missense changes on protein structure and function (SIFT, PolyPhen-2, Align-GVGD) all suggest that this variant is likely to be disruptive.

NM_005051.3(QARS1):c.902G>A (p.Arg301His)

Gene: QARS1 (glutaminyl-tRNA synthetase 1; minus strand). Cytogenetic location: 3p21.31.
Variant type: single nucleotide variant.
Coding change: c.902G>A on transcript NM_005051.3 (MANE Select); coding-DNA position 902, G replaced by A.
Protein change: p.Arg301His; replaces arginine 301 with histidine.
Molecular consequence: missense variant. On other transcripts: non-coding transcript variant (1).
Genome position (GRCh38, 1-based): chr3:49,100,649, C>T on the plus strand (G>A on the coding strand, the complement: QARS1 is on the minus strand). VCF-style: chr3-49100649-C-T. GRCh37 (hg19) VCF-style: chr3-49138082-C-T.
Other names: c.869G>A, p.Arg290His (NM_001272073.2); short protein forms R301H, R290H.
Identifiers: ClinVar variation 477847 (VCV000477847.7), dbSNP rs1553752019, ClinGen allele CA352712501.